The following continues an entry in ClinVar:

NM_183050.4(BCKDHB):c.548G>C (p.Arg183Pro)

Gene: BCKDHB. ClinVar aggregate classification (germline): Pathogenic/Likely pathogenic. Pathogenic (13); Likely pathogenic (2).

Submissions 11 to 18 of 18:

Genetic Services Laboratory, University of Chicago
Classification: Pathogenic. Last evaluated: 2019-07-10. Review status: criteria provided, single submitter. Criteria: ACMG Guidelines, 2015. Collection method: clinical testing. Allele origin: germline. Affected: yes.
Comment: DNA sequence analysis of the BCKDHB gene demonstrated a sequence change, c.548G>C, in exon 5 that results in an amino acid change, p.Arg183Pro. This sequence change has been described in the EXAC database with a low population frequency of 0.02% (dbSNP rs79761867). This pathogenic sequence change has previously been described in patients with maple syrup urine disease (MSUD). The p.Arg183Pro change affects a highly conserved amino acid residue located in a domain of the BCKDHB protein that is known to be functional. The p.Arg183Pro substitution appears to be deleterious using several in-silico pathogenicity prediction tools (SIFT, PolyPhen2, Align GVGD, REVEL). This variant is a reported to be a common pathogenic variant in the Ashkenazi Jewish population (PMID: 11509994). Other variants involving this codon have been reported in association with MSUD [OMIM#.248600].

Illumina Laboratory Services, Illumina
Classification: Likely pathogenic for Maple syrup urine disease type 1A. Last evaluated: 2016-08-27. Review status: criteria provided, single submitter. Criteria: ICSL Variant Classification Criteria 09 May 2019. Collection method: clinical testing. Allele origin: germline.
Comment: The BCKDHB c.548G>C (p.Arg183Pro) missense variant has been identified in a total of seven individuals diagnosed with maple syrup urine disease, including five who were homozygous for the variant and two who were compound heterozygous (Edelmann et al. 2001; Carecchio et al. 2011). All of these individuals were of Ashkenazi Jewish descent. Edelmann et al. (2001) also identified the variant in a heterozygous state in 9/1014 Ashkenazi Jewish individuals from the New York metro area, indicating a carrier frequency of 1/113 in this population. The p.Arg183Pro variant is reported at a frequency of 0.00047 in the European-American population of the Exome Sequencing Project. The Arg183 residue is conserved. Based on the evidence, the p.Arg183Pro variant is classified as pathogenic for maple syrup urine disease. This variant was observed by ICSL as part of a predisposition screen in an ostensibly healthy population.

Women's Health and Genetics/Laboratory Corporation of America, LabCorp
Classification: Pathogenic for Maple syrup urine disease type 1B. Last evaluated: 2016-01-18. Review status: criteria provided, single submitter. Criteria: LabCorp Variant Classification Summary - May 2015. Collection method: clinical testing. Allele origin: germline.
Comment: Variant summary: BCKDHB c.548G>C affects a conserved nucleotide, resulting in amino acid change from Arg to Pro. 5/5 in-silico tools predict damaging outcome for this variant. This variant is found in 33/123400 control chromosomes at a frequency of 0.0002674, which does not significantly exceed maximal expected frequency of a pathogenic allele (0.0014639). The variant has been cited in multiple MSUD patients in homozygous and compound heterozygous state. In addition, at least 1 clinical laboratory classified this variant as pathogenic. Taken together, this is a disease variant and was classified as pathogenic.

Eurofins Ntd Llc (ga)
Classification: Pathogenic. Last evaluated: 2014-06-02. Review status: criteria provided, single submitter. Criteria: EGL Classification Definitions. Collection method: clinical testing. Allele origin: germline. Observed: 6 variant alleles, 4 heterozygotes, 2 homozygotes.

Institute of Medical Genetics and Genomics, Sir Ganga Ram Hospital
Classification: Pathogenic for Maple syrup urine disease type 1A. Last evaluated: 2013-01-01. Review status: criteria provided, single submitter. Criteria: Submitter's publication. Collection method: research. Allele origin: germline. Affected: yes. Observed: 1 variant allele.

Reproductive Health Research and Development, BGI Genomics
Classification: Pathogenic for Maple syrup urine disease. Last evaluated: 2020-01-06. Review status: no assertion criteria provided. Collection method: curation. Allele origin: germline. Not counted in ClinVar's aggregate classification.
Comment: NM_183050.2:c.548G>C in the BCKDHB gene has an allele frequency of 0.005 in Ashkenazi Jewish subpopulation in the gnomAD database. The BCKDHB c.548G>C (p.Arg183Pro) missense variant has been identified in a total of seven individuals diagnosed with maple syrup urine disease, including five who were homozygous for the variant and two who were compound heterozygous (PMID: 11509994; 21484869). It is a founder mutation in the Ashkenazi Jewish Population. In-silico tools predict a damaging effect of the variant on protein function (PMID: 11509994). Pathogenic computational verdict because 11 pathogenic predictions from DANN, DEOGEN2, EIGEN, FATHMM-MKL, M-CAP, MVP, MutationAssessor, MutationTaster, PrimateAI, REVEL and SIFT. Taken together, we interprete this variant as Pathogenic/Likely pathogenic. ACMG/AMP Criteria applied: PS4; PM3_Strong; PP4; PP3.

OMIM
Classification: Pathogenic for MAPLE SYRUP URINE DISEASE, TYPE IB. Last evaluated: 2001-10-01. Review status: no assertion criteria provided. Collection method: literature only. Allele origin: germline. Not counted in ClinVar's aggregate classification.

GeneReviews
No classification provided. Condition: Maple syrup urine disease. Review status: no classification provided. Collection method: literature only. Allele origin: unknown. Not counted in ClinVar's aggregate classification.

Literature cited by the submitters: PubMed 11509994 (cited by 8 submitters); PubMed 26257134 (cited by Labcorp Genetics (formerly Invitae), Labcorp and Ambry Genetics); PubMed 22593002 (cited by Labcorp Genetics (formerly Invitae), Labcorp); PubMed 11448970 (cited by 3 submitters); PubMed 28197878 (cited by Victorian Clinical Genetics Services, Murdoch Childrens Research Institute); PubMed 21484869 (cited by Ambry Genetics and Illumina Laboratory Services, Illumina); PubMed 25255367 (cited by Myriad Genetics, Inc.); PubMed 20301495 (cited by GeneReviews); NCBI Bookshelf NBK1319 (cited by GeneReviews).